The following is an entry in ClinVar:

NM_017763.6(RNF43):c.580T>C (p.Trp194Arg)

Gene: RNF43 (ring finger protein 43; minus strand). Cytogenetic location: 17q22.
Variant type: single nucleotide variant.
Coding change: c.580T>C on transcript NM_017763.6 (MANE Select); coding-DNA position 580, T replaced by C.
Protein change: p.Trp194Arg; replaces tryptophan 194 with arginine.
Molecular consequence: missense variant.
Genome position (GRCh38, 1-based): chr17:58,363,277, A>G on the plus strand (T>C on the coding strand, the complement: RNF43 is on the minus strand). VCF-style: chr17-58363277-A-G. GRCh37 (hg19) VCF-style: chr17-56440638-A-G.
Other names: c.580T>C, p.Trp194Arg (NM_001305544.3, NM_001438820.1, NM_001438821.1 and 1 more transcripts); c.199T>C, p.Trp67Arg (NM_001305545.2, NM_001437987.1); short protein forms W194R, W67R.
Identifiers: ClinVar variation 4863422 (VCV004863422.1).

ClinVar aggregate classification (germline): Uncertain significance (1 of 4 stars; one submission).

Submission:

Ambry Genetics
Classification: Uncertain significance. Last evaluated: 2026-05-21. Review status: criteria provided, single submitter. Criteria: Ambry Variant Classification Scheme 2023. Collection method: clinical testing. Allele origin: germline.
Comment: The p.W194R variant (also known as c.580T>C), located in coding exon 4 of the RNF43 gene, results from a T to C substitution at nucleotide position 580. The tryptophan at codon 194 is replaced by arginine, an amino acid with dissimilar properties. This amino acid position is conserved. In addition, this alteration is predicted to be tolerated by in silico analysis. Based on the available evidence, the clinical significance of this variant remains unclear.